The following is an entry in ClinVar:

ClinVar aggregate classification (germline): Uncertain significance (1 of 4 stars; one submission).

Submission:

GeneDx
Classification: Uncertain significance. Last evaluated: 2023-03-25. Review status: criteria provided, single submitter. Criteria: GeneDx Variant Classification Process June 2021. Collection method: clinical testing. Allele origin: germline. Affected: yes.
Comment: Not observed at significant frequency in large population cohorts (gnomAD); In silico analysis supports that this missense variant has a deleterious effect on protein structure/function; Has not been previously published as pathogenic or benign to our knowledge

NM_001080517.3(SETD5):c.986C>T (p.Ser329Leu)

Gene: SETD5 (SET domain containing 5; plus strand). Cytogenetic location: 3p25.3.
Variant type: single nucleotide variant.
Coding change: c.986C>T on transcript NM_001080517.3 (MANE Select); coding-DNA position 986, C replaced by T.
Protein change: p.Ser329Leu; replaces serine 329 with leucine.
Molecular consequence: missense variant.
Genome position (GRCh38, 1-based): chr3:9,442,154, C>T. VCF-style: chr3-9442154-C-T. GRCh37 (hg19) VCF-style: chr3-9483838-C-T.
Other names: c.692C>T, p.Ser231Leu (NM_001292043.2, NM_001349451.2); short protein forms S231L, S329L.
Identifiers: ClinVar variation 2580707 (VCV002580707.1), dbSNP rs2472723475, ClinGen allele CA351689257.